The following is an entry in ClinVar:

NM_000094.4(COL7A1):c.3448G>T (p.Ala1150Ser)

Gene: COL7A1 (collagen type VII alpha 1 chain; minus strand). Cytogenetic location: 3p21.31.
Variant type: single nucleotide variant.
Coding change: c.3448G>T on transcript NM_000094.4 (MANE Select); coding-DNA position 3448, G replaced by T.
Protein change: p.Ala1150Ser; replaces alanine 1150 with serine.
Molecular consequence: missense variant.
Genome position (GRCh38, 1-based): chr3:48,586,434, C>A on the plus strand (G>T on the coding strand, the complement: COL7A1 is on the minus strand). VCF-style: chr3-48586434-C-A. GRCh37 (hg19) VCF-style: chr3-48623867-C-A.
Other names: short protein forms A1150S.
Identifiers: ClinVar variation 3718332 (VCV003718332.2).

ClinVar aggregate classification (germline): Uncertain significance (1 of 4 stars; one submission).

gnomAD v4.1: 2 of 1,613,888 alleles (0.00012%); highest among the groups gnomAD compares: East Asian, 0.0045%; no homozygotes.

Submission:

Labcorp Genetics (formerly Invitae), Labcorp
Classification: Uncertain significance. Last evaluated: 2026-01-05. Review status: criteria provided, single submitter. Criteria: Invitae Variant Classification Sherloc (09022015). Collection method: clinical testing. Allele origin: germline.
Comment: This sequence change replaces alanine, which is neutral and non-polar, with serine, which is neutral and polar, at codon 1150 of the COL7A1 protein (p.Ala1150Ser). This variant is present in population databases (rs112242120, gnomAD 0.006%). This variant has not been reported in the literature in individuals affected with COL7A1-related conditions. ClinVar contains an entry for this variant (Variation ID: 3718332). Invitae Evidence Modeling of protein sequence and biophysical properties (such as structural, functional, and spatial information, amino acid conservation, physicochemical variation, residue mobility, and thermodynamic stability) indicates that this missense variant is not expected to disrupt COL7A1 protein function with a negative predictive value of 95%. In summary, the available evidence is currently insufficient to determine the role of this variant in disease. Therefore, it has been classified as a Variant of Uncertain Significance.